The following is an entry in ClinVar:

ClinVar aggregate classification (germline): Uncertain significance. Review status: criteria provided, multiple submitters, no conflicts (2 of 4 stars). 3 submissions from 3 submitters: Uncertain significance (3). Last evaluated 2025-05-25.

Conditions:
Familial thoracic aortic aneurysm and aortic dissection (TAAD). Also called: Thoracic aortic aneurysms and dissections. Identifiers: Orphanet 91387, MedGen C4707243, MONDO:0019625.
Aortic aneurysm, familial thoracic 4 (AAT4). Also called: AORTIC ANEURYSM/AORTIC DISSECTION AND PATENT DUCTUS ARTERIOSUS. Identifiers: MedGen C1851504, MONDO:0007568, OMIM 132900.

Allele frequency attached by ClinVar (database versions not stated): TOPMed below 0.00001; gnomAD 0.00001; gnomAD exomes 0.00001.
gnomAD v4.1: 4 of 1,613,316 alleles (0.00025%); highest among the groups gnomAD compares: Non-Finnish European, 0.00034%; no homozygotes.

Submissions (3):

Color Diagnostics, LLC DBA Color Health
Classification: Uncertain significance for Familial thoracic aortic aneurysm and aortic dissection. Last evaluated: 2025-05-25. Review status: criteria provided, single submitter. Criteria: ACMG Guidelines, 2015. Collection method: clinical testing. Allele origin: germline.
Comment: This missense variant replaces histidine with tyrosine at codon 1259 of the MYH11 protein. Computational prediction suggests that this variant may not impact protein structure and function. To our knowledge, functional studies have not been reported for this variant. This variant has not been reported in individuals affected with MYH11-related disorders in the literature. This variant has been identified in 1/31342 chromosomes in the general population by the Genome Aggregation Database (gnomAD). The available evidence is insufficient to determine the role of this variant in disease conclusively. Therefore, this variant is classified as a Variant of Uncertain Significance.

Labcorp Genetics (formerly Invitae), Labcorp
Classification: Uncertain significance for Aortic aneurysm, familial thoracic 4. Last evaluated: 2021-08-26. Review status: criteria provided, single submitter. Criteria: Invitae Variant Classification Sherloc (09022015). Collection method: clinical testing. Allele origin: germline.
Comment: This sequence change replaces histidine with tyrosine at codon 1259 of the MYH11 protein (p.His1259Tyr). The histidine residue is moderately conserved and there is a moderate physicochemical difference between histidine and tyrosine. This variant is not present in population databases (ExAC no frequency). This variant has not been reported in the literature in individuals affected with MYH11-related conditions. Algorithms developed to predict the effect of missense changes on protein structure and function are either unavailable or do not agree on the potential impact of this missense change (SIFT: "Deleterious"; PolyPhen-2: "Benign"; Align-GVGD: "Class C0"). In summary, the available evidence is currently insufficient to determine the role of this variant in disease. Therefore, it has been classified as a Variant of Uncertain Significance.

Ambry Genetics
Classification: Uncertain significance for Familial thoracic aortic aneurysm and aortic dissection. Last evaluated: 2018-01-25. Review status: criteria provided, single submitter. Criteria: Ambry Variant Classification Scheme 2023. Collection method: clinical testing. Allele origin: germline.
Comment: The p.H1252Y variant (also known as c.3754C>T), located in coding exon 27 of the MYH11 gene, results from a C to T substitution at nucleotide position 3754. The histidine at codon 1252 is replaced by tyrosine, an amino acid with similar properties. This amino acid position is well conserved in available vertebrate species; however, tyrosine is the reference amino acid in other vertebrate species. In addition, this alteration is predicted to be tolerated by in silico analysis. Since supporting evidence is limited at this time, the clinical significance of this alteration remains unclear.

NM_002474.3(MYH11):c.3754C>T (p.His1252Tyr)

Gene: MYH11 (myosin heavy chain 11; minus strand). Cytogenetic location: 16p13.11.
Variant type: single nucleotide variant.
Coding change: c.3754C>T on transcript NM_002474.3 (MANE Select); coding-DNA position 3754, C replaced by T.
Protein change: p.His1252Tyr; replaces histidine 1252 with tyrosine.
Molecular consequence: missense variant.
Genome position (GRCh38, 1-based): chr16:15,726,952, G>A on the plus strand (C>T on the coding strand, the complement: MYH11 is on the minus strand). VCF-style: chr16-15726952-G-A. GRCh37 (hg19) VCF-style: chr16-15820809-G-A.
Other names: c.3775C>T, p.His1259Tyr (NM_001040113.2, NM_001040114.2); c.3754C>T, p.His1252Tyr (NM_022844.3); short protein forms H1259Y, H1252Y.
Identifiers: ClinVar variation 405468 (VCV000405468.8), dbSNP rs1006269156, ClinGen allele CA16614582.